The following is an entry in ClinVar:

ClinVar aggregate classification (germline): Pathogenic (1 of 4 stars; one submission).

Conditions:
Spastic paraplegia. Identifiers: MedGen C0037772, HP:0001258.

Allele frequency attached by ClinVar (database versions not stated): gnomAD exomes below 0.00001.
gnomAD v4.1: 1 of 1,614,170 alleles (0.000062%); highest among the groups gnomAD compares: African/African-American, 0.0013%; no homozygotes.

Submission:

Labcorp Genetics (formerly Invitae), Labcorp
Classification: Pathogenic for Spastic paraplegia. Last evaluated: 2018-07-26. Review status: criteria provided, single submitter. Criteria: Invitae Variant Classification Sherloc (09022015). Collection method: clinical testing. Allele origin: germline.
Comment: For these reasons, this variant has been classified as Pathogenic. Loss-of-function variants in SACS are known to be pathogenic (PMID: 18465152, 20876471). This variant has been observed as homozygous in an individual affected with an unspecified with autism spectrum disorder (PMID: 28330790). This variant is not present in population databases (ExAC no frequency). This sequence change creates a premature translational stop signal (p.Trp569*) in the SACS gene. It is expected to result in an absent or disrupted protein product.

Literature cited by the submitters: PubMed 18465152; PubMed 20876471; PubMed 28330790.

NM_014363.6(SACS):c.1707G>A (p.Trp569Ter)

Gene: SACS (sacsin molecular chaperone; minus strand). Cytogenetic location: 13q12.12.
Variant type: single nucleotide variant.
Coding change: c.1707G>A on transcript NM_014363.6 (MANE Select); coding-DNA position 1707, G replaced by A.
Protein change: p.Trp569Ter; replaces tryptophan 569 with a stop codon.
Molecular consequence: nonsense.
Genome position (GRCh38, 1-based): chr13:23,354,905, C>T on the plus strand (G>A on the coding strand, the complement: SACS is on the minus strand). VCF-style: chr13-23354905-C-T. GRCh37 (hg19) VCF-style: chr13-23929044-C-T.
Other names: c.1266G>A, p.Trp422Ter (NM_001278055.2); short protein forms W422*, W569*.
Identifiers: ClinVar variation 657319 (VCV000657319.8), dbSNP rs1593144544, ClinGen allele CA387547096.